The following is an entry in ClinVar:

ClinVar aggregate classification (germline): Likely benign. Review status: criteria provided, multiple submitters, no conflicts (2 of 4 stars). 3 submissions from 3 submitters: Likely benign (3). Last evaluated 2026-07-10.

Conditions:
Cardiovascular phenotype. Identifiers: MedGen CN230736.
Autosomal recessive limb-girdle muscular dystrophy type 2J (LGMDR10). Also called: Limb-girdle muscular dystrophy, type 2J; MUSCULAR DYSTROPHY, LIMB-GIRDLE, AUTOSOMAL RECESSIVE 10. Identifiers: Orphanet 140922, MedGen C1837342, MONDO:0012127, OMIM 608807.
Dilated cardiomyopathy 1G (CMD1G). Identifiers: Orphanet 154, MedGen C1858763, MONDO:0011400, OMIM 604145.

Submissions (3):

Ambry Genetics
Classification: Likely benign for Cardiovascular phenotype. Last evaluated: 2026-07-10. Review status: criteria provided, single submitter. Criteria: Ambry Variant Classification Scheme 2023. Collection method: clinical testing. Allele origin: germline.

Labcorp Genetics (formerly Invitae), Labcorp
Classification: Likely benign for Dilated cardiomyopathy 1G; Autosomal recessive limb-girdle muscular dystrophy type 2J. Last evaluated: 2021-08-05. Review status: criteria provided, single submitter. Criteria: Invitae Variant Classification Sherloc (09022015). Collection method: clinical testing. Allele origin: germline.

Laboratory for Molecular Medicine, Mass General Brigham Personalized Medicine
Classification: Likely benign. Last evaluated: 2013-09-24. Review status: criteria provided, single submitter. Criteria: LMM Criteria. Collection method: clinical testing. Allele origin: germline. Observed: 1 variant allele.
Comment: Ala20225Ala in exon 271 of TTN: This variant is not expected to have clinical si gnificance because it does not alter an amino acid residue and is not located wi thin the splice consensus sequence. Ala20225Ala in exon 271 of TTN (allele fre quency = n/a)

NM_001267550.2(TTN):c.68379T>C (p.Ala22793=)

Genes: TTN-AS1 (TTN antisense RNA 1; plus strand), TTN (titin; minus strand). Cytogenetic location: 2q31.2.
Variant type: single nucleotide variant.
Coding change: c.68379T>C on transcript NM_001267550.2 (MANE Select); coding-DNA position 68379, T replaced by C.
Protein change: p.Ala22793=; no amino-acid change (alanine 22793 retained).
Molecular consequence: synonymous variant.
Genome position (GRCh38, 1-based): chr2:178,578,136, A>G on the plus strand (T>C on the coding strand, the complement: TTN is on the minus strand). VCF-style: chr2-178578136-A-G. GRCh37 (hg19) VCF-style: chr2-179442863-A-G.
Other names: c.60675T>C, p.Ala20225= (NM_133378.4); c.63456T>C, p.Ala21152= (NM_001256850.1); c.41184T>C, p.Ala13728= (NM_003319.4); c.41559T>C, p.Ala13853= (NM_133432.3); c.41760T>C, p.Ala13920= (NM_133437.4).
Identifiers: ClinVar variation 165871 (VCV000165871.14), dbSNP rs727503574, ClinGen allele CA178560.